The following is an entry in ClinVar:

ClinVar aggregate classification (germline): Uncertain significance (1 of 4 stars; one submission).

gnomAD v4.1: 19 of 1,613,534 alleles (0.0012%); highest among the groups gnomAD compares: Non-Finnish European, 0.0014%; no homozygotes.

Submission:

Labcorp Genetics (formerly Invitae), Labcorp
Classification: Uncertain significance. Last evaluated: 2025-08-18. Review status: criteria provided, single submitter. Criteria: Invitae Variant Classification Sherloc (09022015). Collection method: clinical testing. Allele origin: germline.
Comment: This sequence change replaces serine, which is neutral and polar, with leucine, which is neutral and non-polar, at codon 607 of the ARID1A protein (p.Ser607Leu). This variant is not present in population databases (gnomAD no frequency). This variant has not been reported in the literature in individuals affected with ARID1A-related conditions. Invitae Evidence Modeling of protein sequence and biophysical properties (such as structural, functional, and spatial information, amino acid conservation, physicochemical variation, residue mobility, and thermodynamic stability) indicates that this missense variant is not expected to disrupt ARID1A protein function with a negative predictive value of 95%. In summary, the available evidence is currently insufficient to determine the role of this variant in disease. Therefore, it has been classified as a Variant of Uncertain Significance.

NM_006015.6(ARID1A):c.1820C>T (p.Ser607Leu)

Gene: ARID1A (AT-rich interaction domain 1A; plus strand). Cytogenetic location: 1p36.11.
Variant type: single nucleotide variant.
Coding change: c.1820C>T on transcript NM_006015.6 (MANE Select); coding-DNA position 1820, C replaced by T.
Protein change: p.Ser607Leu; replaces serine 607 with leucine.
Molecular consequence: missense variant.
Genome position (GRCh38, 1-based): chr1:26,732,692, C>T. VCF-style: chr1-26732692-C-T. GRCh37 (hg19) VCF-style: chr1-27059183-C-T.
Other names: c.1820C>T, p.Ser607Leu (NM_139135.4); short protein forms S607L.
Identifiers: ClinVar variation 4766487 (VCV004766487.1).